The following is an entry in ClinVar:

ClinVar aggregate classification (germline): Uncertain significance (1 of 4 stars; one submission).

Allele frequency attached by ClinVar (database versions not stated): gnomAD 0.00001.

Submission:

Labcorp Genetics (formerly Invitae), Labcorp
Classification: Uncertain significance. Last evaluated: 2023-12-22. Review status: criteria provided, single submitter. Criteria: Invitae Variant Classification Sherloc (09022015). Collection method: clinical testing. Allele origin: germline.
Comment: This sequence change replaces alanine, which is neutral and non-polar, with serine, which is neutral and polar, at codon 290 of the KANK2 protein (p.Ala290Ser). This variant is not present in population databases (gnomAD no frequency). This variant has not been reported in the literature in individuals affected with KANK2-related conditions. An algorithm developed to predict the effect of missense changes on protein structure and function (PolyPhen-2) suggests that this variant is likely to be disruptive. In summary, the available evidence is currently insufficient to determine the role of this variant in disease. Therefore, it has been classified as a Variant of Uncertain Significance.

NM_001136191.3(KANK2):c.868G>T (p.Ala290Ser)

Gene: KANK2 (KN motif and ankyrin repeat domains 2; minus strand). Cytogenetic location: 19p13.2.
Variant type: single nucleotide variant.
Coding change: c.868G>T on transcript NM_001136191.3 (MANE Select); coding-DNA position 868, G replaced by T.
Protein change: p.Ala290Ser; replaces alanine 290 with serine.
Molecular consequence: missense variant.
Genome position (GRCh38, 1-based): chr19:11,193,212, C>A on the plus strand (G>T on the coding strand, the complement: KANK2 is on the minus strand). VCF-style: chr19-11193212-C-A. GRCh37 (hg19) VCF-style: chr19-11303888-C-A.
Other names: c.868G>T, p.Ala290Ser (NM_001329451.2, NM_001379548.1, NM_001379549.1 and 15 more transcripts); short protein forms A290S.
Identifiers: ClinVar variation 2964526 (VCV002964526.3), dbSNP rs112599354, ClinGen allele CA305358082.
Genomic context (GRCh38, chr19:11,193,212, plus strand): 5'-GCCGGGCCTGAGCTGCCTGCAGCTCCTGCAGCGCCTTCTTGAGCTGGGTCTCCAGCACAG[C>A]GACCTTGGCGGCGAGGGCAGCCTCCCCATCAGGCATGCCCAAGTCCCGTTCTCGAACCCA-3'
Protein context (NP_001129663.1, residues 280-300): DGEAALAAKV[Ala290Ser]VLETQLKKAL